The following is an entry in ClinVar:

ClinVar aggregate classification (germline): Uncertain significance (1 of 4 stars; one submission).

Conditions:
Cardiovascular phenotype. Identifiers: MedGen CN230736.

Submission:

Ambry Genetics
Classification: Uncertain significance for Cardiovascular phenotype. Last evaluated: 2026-08-19. Review status: criteria provided, single submitter. Criteria: Ambry Variant Classification Scheme 2023. Collection method: clinical testing. Allele origin: germline.
Comment: The p.S594N variant (also known as c.1781G>A), located in coding exon 14 of the DSP gene, results from a G to A substitution at nucleotide position 1781. The serine at codon 594 is replaced by asparagine, an amino acid with highly similar properties. This amino acid position is conserved. In addition, the in silico prediction for this alteration is inconclusive. Based on the available evidence, the clinical significance of this variant remains unclear.

NM_004415.4(DSP):c.1781G>A (p.Ser594Asn)

Gene: DSP (desmoplakin; plus strand). Cytogenetic location: 6p24.3.
Variant type: single nucleotide variant.
Coding change: c.1781G>A on transcript NM_004415.4 (MANE Select); coding-DNA position 1781, G replaced by A.
Protein change: p.Ser594Asn; replaces serine 594 with asparagine.
Molecular consequence: missense variant.
Genome position (GRCh38, 1-based): chr6:7,571,462, G>A. VCF-style: chr6-7571462-G-A. GRCh37 (hg19) VCF-style: chr6-7571695-G-A.
Other names: c.1781G>A, p.Ser594Asn (NM_001319034.2, NM_001008844.3); short protein forms S594N.
Identifiers: ClinVar variation 5035658 (VCV005035658.1).